The following is an entry in ClinVar:

NM_002691.4(POLD1):c.3292C>A (p.Arg1098Ser)

Gene: POLD1 (DNA polymerase delta 1, catalytic subunit; plus strand). Cytogenetic location: 19q13.33.
Variant type: single nucleotide variant.
Coding change: c.3292C>A on transcript NM_002691.4 (MANE Select); coding-DNA position 3292, C replaced by A.
Protein change: p.Arg1098Ser; replaces arginine 1098 with serine.
Molecular consequence: missense variant. On other transcripts: non-coding transcript variant (1).
Genome position (GRCh38, 1-based): chr19:50,417,915, C>A. VCF-style: chr19-50417915-C-A. GRCh37 (hg19) VCF-style: chr19-50921172-C-A.
Other names: c.3292C>A, p.Arg1098Ser (NM_001256849.1); c.3370C>A, p.Arg1124Ser (NM_001308632.1); short protein forms R1098S, R1124S.
Identifiers: ClinVar variation 2107591 (VCV002107591.4), dbSNP rs1445817375, ClinGen allele CA406987852.

ClinVar aggregate classification (germline): Uncertain significance (1 of 4 stars; one submission).

Conditions:
POLD1-related polyposis and colorectal cancer syndrome (CRCS10). Also called: Colorectal cancer 10; COLORECTAL CANCER, SUSCEPTIBILITY TO, ON CHROMOSOME 19q; Colorectal cancer, susceptibility to, 10. Identifiers: Orphanet 220460, MedGen C2675481, MONDO:0012953, OMIM 612591.

Submission:

Labcorp Genetics (formerly Invitae), Labcorp
Classification: Uncertain significance for POLD1-related polyposis and colorectal cancer syndrome. Last evaluated: 2024-05-21. Review status: criteria provided, single submitter. Criteria: Invitae Variant Classification Sherloc (09022015). Collection method: clinical testing. Allele origin: germline.
Comment: This sequence change replaces arginine, which is basic and polar, with serine, which is neutral and polar, at codon 1098 of the POLD1 protein (p.Arg1098Ser). This variant is not present in population databases (gnomAD no frequency). This variant has not been reported in the literature in individuals affected with POLD1-related conditions. ClinVar contains an entry for this variant (Variation ID: 2107591). Advanced modeling of protein sequence and biophysical properties (such as structural, functional, and spatial information, amino acid conservation, physicochemical variation, residue mobility, and thermodynamic stability) performed at Invitae indicates that this missense variant is not expected to disrupt POLD1 protein function with a negative predictive value of 80%. In summary, the available evidence is currently insufficient to determine the role of this variant in disease. Therefore, it has been classified as a Variant of Uncertain Significance.